The following is an entry in ClinVar:

NM_032229.3(SLITRK6):c.1883T>C (p.Ile628Thr)

Gene: SLITRK6 (SLIT and NTRK like family member 6; minus strand). Cytogenetic location: 13q31.1.
Variant type: single nucleotide variant.
Coding change: c.1883T>C on transcript NM_032229.3 (MANE Select); coding-DNA position 1883, T replaced by C.
Protein change: p.Ile628Thr; replaces isoleucine 628 with threonine.
Molecular consequence: missense variant.
Genome position (GRCh38, 1-based): chr13:85,794,626, A>G on the plus strand (T>C on the coding strand, the complement: SLITRK6 is on the minus strand). VCF-style: chr13-85794626-A-G. GRCh37 (hg19) VCF-style: chr13-86368761-A-G.
Other names: short protein forms I628T.
Identifiers: ClinVar variation 4281791 (VCV004281791.1).
Genomic context (GRCh38, chr13:85,794,626, plus strand): 5'-ATTTGCTCATCTACTTGTTTCTTTTTGTATCTTCTCCTGCGGTGAAGAACAAGAACCACT[A>G]TCCCTGCAGCACAGAAAACAATAGTGATGAACATAATCAGAAGTCCCAATATTAGAACAG-3'
Protein context (NP_115605.2, residues 618-638): FITIVFCAAG[Ile628Thr]VVLVLHRRRR

ClinVar aggregate classification (germline): Uncertain significance (1 of 4 stars; one submission).

Submission:

GeneDx
Classification: Uncertain significance. Last evaluated: 2025-04-15. Review status: criteria provided, single submitter. Criteria: GeneDx Variant Classification Process June 2021. Collection method: clinical testing. Allele origin: germline. Affected: yes.
Comment: Not observed at significant frequency in large population cohorts (gnomAD); In silico analysis indicates that this missense variant does not alter protein structure/function; Has not been previously published as pathogenic or benign to our knowledge